The following is an entry in ClinVar:

NC_000016.9:g.(?_23614770)_(23615000_?)dup

Gene: PALB2 (partner and localizer of BRCA2; minus strand). Cytogenetic location: 16p12.2.
Variant type: Duplication.
Identifiers: ClinVar variation 584175 (VCV000584175.3).

ClinVar aggregate classification (germline): Uncertain significance (1 of 4 stars; one submission).

Conditions:
Familial cancer of breast. Also called: Hereditary breast cancer; hereditary breast carcinoma; BREAST CANCER, FAMILIAL. Identifiers: Orphanet 227535, MedGen C0346153, MONDO:0016419, OMIM 114480. Disease mechanism: loss of function.

Submission:

Labcorp Genetics (formerly Invitae), Labcorp
Classification: Uncertain significance for Hereditary Breast Carcinoma. Last evaluated: 2019-05-23. Review status: criteria provided, single submitter. Criteria: Invitae Variant Classification Sherloc (09022015). Collection method: clinical testing. Allele origin: germline.
Comment: This variant results in a copy number gain of the genomic region encompassing exon 13 of the PALB2 gene. The 5' boundary is likely confined to intron 12. The 3' end of this event is unknown as it extends beyond the assayed region for this gene and therefore may encompass additional genes. As the precise location of this event is unknown, it may be in tandem or it may be located elsewhere in the genome. Duplications of exon 13 have been reported in an individual affected with clear cell peritoneal cancer (PMID: 26720728), and shown to segregate with breast and ovarian cancer in a single family (PMID: 27757719). In summary, the available evidence is currently insufficient to determine the role of this variant in disease. Therefore, it has been classified as a Variant of Uncertain Significance.

Literature cited by the submitters: PubMed 27757719; PubMed 26720728.